The following is an entry in ClinVar:

NM_000334.4(SCN4A):c.3452A>T (p.Asn1151Ile)

Genes: GH-LCR (growth hormone locus control region; plus strand), SCN4A (sodium voltage-gated channel alpha subunit 4; minus strand). Cytogenetic location: 17q23.3.
Variant type: single nucleotide variant.
Coding change: c.3452A>T on transcript NM_000334.4 (MANE Select); coding-DNA position 3452, A replaced by T.
Protein change: p.Asn1151Ile; replaces asparagine 1151 with isoleucine.
Molecular consequence: missense variant.
Genome position (GRCh38, 1-based): chr17:63,945,628, T>A on the plus strand (A>T on the coding strand, the complement: SCN4A is on the minus strand). VCF-style: chr17-63945628-T-A. GRCh37 (hg19) VCF-style: chr17-62022988-T-A.
Other names: short protein forms N1151I.
Identifiers: ClinVar variation 5003120 (VCV005003120.1).

ClinVar aggregate classification (germline): Uncertain significance (1 of 4 stars; one submission).

Conditions:
Potassium-aggravated myotonia. Also called: MYOTONIA CONGENITA, ACETAZOLAMIDE-RESPONSIVE; MYOTONIA CONGENITA, ATYPICAL; SODIUM CHANNEL MUSCLE DISEASE; Myotonia congenita, atypical, acetazolamide-responsive. Identifiers: Orphanet 612, Orphanet 99734, Orphanet 99735, Orphanet 99736, MedGen C2931826, MONDO:0018959, OMIM 608390.

gnomAD v4.1: 1 of 1,613,734 alleles (0.000062%); highest among the groups gnomAD compares: Non-Finnish European, 0.000085%; no homozygotes.

Submission:

OLLIN Analises Genomicas, OLLIN
Classification: Uncertain significance for Potassium-aggravated myotonia. Last evaluated: 2026-08-06. Review status: criteria provided, single submitter. Criteria: ACMG Guidelines 2015 PMID 25741868. Collection method: clinical testing. Allele origin: germline. Inheritance: Autosomal recessive inheritance.
Comment: This missense variant, located in exon 19 (of 24), has been observed in gnomAD with an allele frequency of 0.000062%, but has not been reported in ClinVar or identified in the literature. In silico analysis predicts that this variant has a deleterious effect. According to the currently available evidence, this variant has been classified as uncertain significance (PM2_P, PP3_M).